The following is an entry in ClinVar:

NM_000444.6(PHEX):c.1333dup (p.Ala445fs)

Gene: PHEX (phosphate regulating endopeptidase X-linked; plus strand). Cytogenetic location: Xp22.11.
Variant type: Duplication.
Coding change: c.1333dup on transcript NM_000444.6 (MANE Select); coding-DNA position 1333, one base duplicated (G; older notation c.1333dupG).
Protein change: p.Ala445fs; shifts the reading frame from alanine 445.
Molecular consequence: frameshift variant.
Genome position (GRCh38, 1-based): chrX:22,133,553, G duplicated; the last of 3 consecutive G bases (chrX:22,133,551-22,133,553); duplicating any one gives the same sequence. VCF-style (leftmost placement, unchanged base first): chrX-22133550-T-TG. GRCh37 (hg19) VCF-style: chrX-22151667-T-TG.
Other names: c.1333dup, p.Ala445fs (NM_001282754.2); short protein forms A445fs.
Identifiers: ClinVar variation 4890890 (VCV004890890.1).
Genomic context (GRCh38, chrX:22,133,550, plus strand): 5'-TTTGACGTTCCCTCTTTGGGTATTTTCTTGTAGATGGAGGAATTGGTTGAGGGCGTTCGC[T>TG]GGGCCTTTATTGACATGCTAGAGAAAGAAAATGAGTGGATGGATGCAGGAACGAAAAGGA-3'

ClinVar aggregate classification (germline): Pathogenic (1 of 4 stars; one submission).

Conditions:
Hypophosphataemia or rickets.

Submission:

Cambridge Genomics Laboratory, East Genomic Laboratory Hub, NHS Genomic Medicine Service
Classification: Pathogenic for Hypophosphataemia or rickets. Last evaluated: 2026-08-14. Review status: criteria provided, single submitter. Criteria: ACGS Best Practice Guidelines for Variant Classification in Rare Disease 2020. Collection method: clinical testing. Allele origin: germline. Affected: yes.
Comment: PVS1,PM2,PP4